The following is an entry in ClinVar:

ClinVar aggregate classification (germline): Uncertain significance (1 of 4 stars; one submission).

Allele frequency attached by ClinVar (database versions not stated): gnomAD exomes below 0.00001; TOPMed below 0.00001; gnomAD 0.00001.
gnomAD v4.1: 6 of 1,608,950 alleles (0.00037%); highest among the groups gnomAD compares: African/African-American, 0.0067%; no homozygotes.

Submission:

Labcorp Genetics (formerly Invitae), Labcorp
Classification: Uncertain significance. Last evaluated: 2022-06-24. Review status: criteria provided, single submitter. Criteria: Invitae Variant Classification Sherloc (09022015). Collection method: clinical testing. Allele origin: germline.
Comment: This variant has not been reported in the literature in individuals affected with CACNA1D-related conditions. Algorithms developed to predict the effect of missense changes on protein structure and function (SIFT, PolyPhen-2, Align-GVGD) all suggest that this variant is likely to be tolerated. In summary, the available evidence is currently insufficient to determine the role of this variant in disease. Therefore, it has been classified as a Variant of Uncertain Significance. The frequency data for this variant in the population databases is considered unreliable, as metrics indicate poor data quality at this position in the gnomAD database. This sequence change replaces lysine, which is basic and polar, with arginine, which is basic and polar, at codon 1251 of the CACNA1D protein (p.Lys1251Arg).

NM_001128840.3(CACNA1D):c.3692A>G (p.Lys1231Arg)

Gene: CACNA1D (calcium voltage-gated channel subunit alpha1 D; plus strand). Cytogenetic location: 3p21.1.
Variant type: single nucleotide variant.
Coding change: c.3692A>G on transcript NM_001128840.3 (MANE Select); coding-DNA position 3692, A replaced by G.
Protein change: p.Lys1231Arg; replaces lysine 1231 with arginine.
Molecular consequence: missense variant.
Genome position (GRCh38, 1-based): chr3:53,753,588, A>G. VCF-style: chr3-53753588-A-G. GRCh37 (hg19) VCF-style: chr3-53787615-A-G.
Other names: c.3752A>G, p.Lys1251Arg (NM_000720.4); c.3692A>G, p.Lys1231Arg (NM_001128839.3); short protein forms K1231R, K1251R.
Identifiers: ClinVar variation 2010045 (VCV002010045.4), dbSNP rs1163075987, ClinGen allele CA353251522.